The following is an entry in ClinVar:

NM_001173990.3(TMEM216):c.16C>G (p.Leu6Val)

Gene: TMEM216 (transmembrane protein 216; plus strand). Cytogenetic location: 11q12.2.
Variant type: single nucleotide variant.
Coding change: c.16C>G on transcript NM_001173990.3 (MANE Select); coding-DNA position 16, C replaced by G.
Protein change: p.Leu6Val; replaces leucine 6 with valine.
Molecular consequence: missense variant. On other transcripts: 5 prime UTR variant (2).
Genome position (GRCh38, 1-based): chr11:61,392,647, C>G. VCF-style: chr11-61392647-C-G. GRCh37 (hg19) VCF-style: chr11-61160119-C-G.
Other names: c.16C>G, p.Leu6Val (NM_001173991.3); c.-182C>G (NM_001330285.2, NM_016499.6); short protein forms L6V.
Identifiers: ClinVar variation 1934996 (VCV001934996.2), dbSNP rs767812535, ClinGen allele CA6034690.

ClinVar aggregate classification (germline): Uncertain significance (1 of 4 stars; one submission).

Conditions:
Joubert syndrome. Also called: CEREBELLOPARENCHYMAL DISORDER IV; JOUBERT-BOLTSHAUSER SYNDROME; Familial aplasia of the vermis. Identifiers: Orphanet 475, MedGen C5979921, MONDO:0018772.

Allele frequency attached by ClinVar (database versions not stated): ExAC 0.00008.

Submission:

Labcorp Genetics (formerly Invitae), Labcorp
Classification: Uncertain significance for Joubert syndrome. Last evaluated: 2022-06-03. Review status: criteria provided, single submitter. Criteria: Invitae Variant Classification Sherloc (09022015). Collection method: clinical testing. Allele origin: germline.
Comment: This sequence change replaces leucine, which is neutral and non-polar, with valine, which is neutral and non-polar, at codon 6 of the TMEM216 protein (p.Leu6Val). This variant is present in population databases (rs767812535, gnomAD 0.02%). This variant has not been reported in the literature in individuals affected with TMEM216-related conditions. Algorithms developed to predict the effect of missense changes on protein structure and function are either unavailable or do not agree on the potential impact of this missense change (SIFT: "Deleterious"; PolyPhen-2: "Benign"; Align-GVGD: "Class C0"). In summary, the available evidence is currently insufficient to determine the role of this variant in disease. Therefore, it has been classified as a Variant of Uncertain Significance.